The following is an entry in ClinVar:

ClinVar aggregate classification (germline): Uncertain significance (1 of 4 stars; one submission).

Conditions:
EGFR-related lung cancer (EGFR). Identifiers: MedGen CN130014.

gnomAD v4.1: 2 of 1,522,982 alleles (0.00013%); highest among the groups gnomAD compares: Non-Finnish European, 0.00018%; no homozygotes.

Submission:

Labcorp Genetics (formerly Invitae), Labcorp
Classification: Uncertain significance for EGFR-related lung cancer. Last evaluated: 2024-02-19. Review status: criteria provided, single submitter. Criteria: Invitae Variant Classification Sherloc (09022015). Collection method: clinical testing. Allele origin: germline.
Comment: This sequence change replaces alanine, which is neutral and non-polar, with threonine, which is neutral and polar, at codon 17 of the EGFR protein (p.Ala17Thr). This variant is not present in population databases (gnomAD no frequency). This variant has not been reported in the literature in individuals affected with EGFR-related conditions. Algorithms developed to predict the effect of missense changes on protein structure and function output the following: SIFT: "Not Available"; PolyPhen-2: "Benign"; Align-GVGD: "Not Available". The threonine amino acid residue is found in multiple mammalian species, which suggests that this missense change does not adversely affect protein function. In summary, the available evidence is currently insufficient to determine the role of this variant in disease. Therefore, it has been classified as a Variant of Uncertain Significance.

NM_005228.5(EGFR):c.49G>A (p.Ala17Thr)

Gene: EGFR (epidermal growth factor receptor; plus strand). Cytogenetic location: 7p11.2.
Variant type: single nucleotide variant.
Coding change: c.49G>A on transcript NM_005228.5 (MANE Select); coding-DNA position 49, G replaced by A.
Protein change: p.Ala17Thr; replaces alanine 17 with threonine.
Molecular consequence: missense variant.
Genome position (GRCh38, 1-based): chr7:55,019,326, G>A. VCF-style: chr7-55019326-G-A. GRCh37 (hg19) VCF-style: chr7-55087019-G-A.
Other names: c.49G>A, p.Ala17Thr (NM_001346897.2, NM_001346898.2, NM_001346899.2 and 4 more transcripts); short protein forms A17T.
Identifiers: ClinVar variation 3641949 (VCV003641949.2).